The following is an entry in ClinVar:

ClinVar aggregate classification (germline): Uncertain significance (1 of 4 stars; one submission).

Submission:

Labcorp Genetics (formerly Invitae), Labcorp
Classification: Uncertain significance. Last evaluated: 2024-03-19. Review status: criteria provided, single submitter. Criteria: Invitae Variant Classification Sherloc (09022015). Collection method: clinical testing. Allele origin: germline.
Comment: This sequence change replaces serine, which is neutral and polar, with threonine, which is neutral and polar, at codon 1138 of the SCN3A protein (p.Ser1138Thr). This variant is not present in population databases (gnomAD no frequency). This variant has not been reported in the literature in individuals affected with SCN3A-related conditions. Advanced modeling of protein sequence and biophysical properties (such as structural, functional, and spatial information, amino acid conservation, physicochemical variation, residue mobility, and thermodynamic stability) has been performed at Invitae for this missense variant, however the output from this modeling did not meet the statistical confidence thresholds required to predict the impact of this variant on SCN3A protein function. In summary, the available evidence is currently insufficient to determine the role of this variant in disease. Therefore, it has been classified as a Variant of Uncertain Significance.

NM_006922.4(SCN3A):c.3412T>A (p.Ser1138Thr)

Gene: SCN3A (sodium voltage-gated channel alpha subunit 3; minus strand). Cytogenetic location: 2q24.3.
Variant type: single nucleotide variant.
Coding change: c.3412T>A on transcript NM_006922.4 (MANE Select); coding-DNA position 3412, T replaced by A.
Protein change: p.Ser1138Thr; replaces serine 1138 with threonine.
Molecular consequence: missense variant.
Genome position (GRCh38, 1-based): chr2:165,115,557, A>T on the plus strand (T>A on the coding strand, the complement: SCN3A is on the minus strand). VCF-style: chr2-165115557-A-T. GRCh37 (hg19) VCF-style: chr2-165972067-A-T.
Other names: c.3265T>A, p.Ser1089Thr (NM_001081676.2, NM_001081677.2); short protein forms S1089T, S1138T.
Identifiers: ClinVar variation 3687025 (VCV003687025.2).